The following is an entry in ClinVar:

NM_001126108.2(SLC12A3):c.55del (p.Arg19fs)

Gene: SLC12A3 (solute carrier family 12 member 3; plus strand). Cytogenetic location: 16q13.
Variant type: Deletion.
Coding change: c.55del on transcript NM_001126108.2 (MANE Select); coding-DNA position 55, one base deleted (C; older notation c.55delC).
Protein change: p.Arg19fs; shifts the reading frame from arginine 19.
Molecular consequence: frameshift variant.
Genome position (GRCh38, 1-based): chr16:56,865,290, C deleted. VCF-style (leftmost placement, unchanged base first): chr16-56865289-GC-G. GRCh37 (hg19) VCF-style: chr16-56899201-GC-G.
Other names: c.55del (NM_000339.2); c.55del, p.Arg19fs (NM_000339.3, NM_001126107.2); short protein forms R19fs.
Identifiers: ClinVar variation 1076450 (VCV001076450.9), dbSNP rs2144677775, ClinGen allele CA2499223585.
Genomic context (GRCh38, chr16:56,865,289, plus strand): 5'-GGCGACAATGGCAGAACTGCCCACAACAGAGACGCCTGGGGACGCCACTTTGTGCAGCGG[GC>G]GCTTCACCATCAGCACACTGCTGAGCAGTGATGAGCCCTCTCCACCAGCTGCCTATGACA-3'

ClinVar aggregate classification (germline): Pathogenic/Likely pathogenic. Review status: criteria provided, multiple submitters, no conflicts (2 of 4 stars). 3 submissions from 3 submitters: Pathogenic (1); Likely pathogenic (2). Last evaluated 2025-06-18.

Conditions:
Familial hypokalemia-hypomagnesemia (GTLMNS). Also called: POTASSIUM AND MAGNESIUM DEPLETION; HYPOMAGNESEMIA-HYPOKALEMIA, PRIMARY RENOTUBULAR, WITH HYPOCALCIURIA; gitelman syndrome. Identifiers: Orphanet 358, MedGen C0268450, MONDO:0009904, OMIM 263800.
SLC12A3-related disorder. Also called: SLC12A3-related condition.

Submissions (3):

Natera, Inc.
Classification: Likely pathogenic for Gitelman syndrome. Last evaluated: 2025-06-18. Review status: criteria provided, single submitter. Criteria: Natera Variant Classification Schema (03/2026). Collection method: clinical testing. Allele origin: germline.
Comment: The c.55del variant in SLC12A3 is a frameshift variant predicted to shift the reading frame beginning at codon 19 and leads to a stop codon 8 codons downstream. This variant is expected to result in nonsense mediated decay, truncation, or a dysfunctional protein product. This variant is rare in the general population with a frequency below the threshold expected for the associated phenotype(s). Given the available evidence, this variant is classified as Likely Pathogenic.

Blueprint Genetics
Classification: Likely pathogenic for SLC12A3-related disorders. Last evaluated: 2024-02-01. Review status: criteria provided, single submitter. Criteria: ACMG Guidelines, 2015. Collection method: clinical testing. Allele origin: germline. Affected: yes. Observed: 1 variant allele.

Labcorp Genetics (formerly Invitae), Labcorp
Classification: Pathogenic. Last evaluated: 2020-10-20. Review status: criteria provided, single submitter. Criteria: Invitae Variant Classification Sherloc (09022015). Collection method: clinical testing. Allele origin: germline.
Comment: This sequence change creates a premature translational stop signal (p.Arg19Alafs*8) in the SLC12A3 gene. It is expected to result in an absent or disrupted protein product. Loss-of-function variants in SLC12A3 are known to be pathogenic (PMID: 20848653, 22009145, 25841442). This variant is not present in population databases (ExAC no frequency). This variant has not been reported in the literature in individuals with SLC12A3-related conditions. For these reasons, this variant has been classified as Pathogenic.

Literature cited by the submitters: PubMed 20848653 (cited by Labcorp Genetics (formerly Invitae), Labcorp); PubMed 22009145 (cited by Labcorp Genetics (formerly Invitae), Labcorp); PubMed 25841442 (cited by Labcorp Genetics (formerly Invitae), Labcorp).